The following is an entry in ClinVar:

NM_032242.4(PLXNA1):c.871A>G (p.Lys291Glu)

Gene: PLXNA1 (plexin A1; plus strand). Cytogenetic location: 3q21.3.
Variant type: single nucleotide variant.
Coding change: c.871A>G on transcript NM_032242.4 (MANE Select); coding-DNA position 871, A replaced by G.
Protein change: p.Lys291Glu; replaces lysine 291 with glutamic acid.
Molecular consequence: missense variant.
Genome position (GRCh38, 1-based): chr3:126,989,464, A>G. VCF-style: chr3-126989464-A-G. GRCh37 (hg19) VCF-style: chr3-126708307-A-G.
Other names: short protein forms K291E.
Identifiers: ClinVar variation 3357271 (VCV003357271.1).
Genomic context (GRCh38, chr3:126,989,464, plus strand): 5'-GATGCCGCCGGCGAGCACTTCTTCACGTCCAAGATCGTGCGGCTCTGTGTGGACGACCCC[A>G]AATTCTACTCGTACGTTGAGTTCCCCATTGGCTGCGAGCAGGCGGGTGTGGAGTACCGCC-3'
Protein context (NP_115618.3, residues 281-301): KIVRLCVDDP[Lys291Glu]FYSYVEFPIG

ClinVar aggregate classification (germline): Uncertain significance (0 of 4 stars; one submission).

Conditions:
PLXNA1-related disorder. Also called: PLXNA1-related condition.

gnomAD v4.1: 1 of 1,613,520 alleles (0.000062%); highest among the groups gnomAD compares: Non-Finnish European, 0.000085%; no homozygotes.

Submission:

PreventionGenetics, part of Exact Sciences
Classification: Uncertain significance for PLXNA1-related condition. Last evaluated: 2024-08-22. Review status: no assertion criteria provided. Collection method: clinical testing. Allele origin: germline.
Comment: The PLXNA1 c.871A>G variant is predicted to result in the amino acid substitution p.Lys291Glu. To our knowledge, this variant has not been reported in the literature or in a large population database, indicating this variant is rare. At this time, the clinical significance of this variant is uncertain due to the absence of conclusive functional and genetic evidence.